The following is an entry in ClinVar:

NM_001164665.2(KIAA1549):c.4909_4910del (p.Ala1638fs)

Gene: KIAA1549 (KIAA1549; minus strand). Cytogenetic location: 7q34.
Variant type: Deletion.
Coding change: c.4909_4910del on transcript NM_001164665.2 (MANE Select); coding-DNA positions 4909 to 4910, 2 bases deleted (TC; older notation c.4909_4910delTC).
Protein change: p.Ala1638fs; shifts the reading frame from alanine 1638.
Molecular consequence: frameshift variant.
Genome position (GRCh38, 1-based): chr7:138,867,994-138,867,995, GA deleted on the plus strand (TC on the coding strand, the reverse complement: KIAA1549 is on the minus strand); deleting any 2 consecutive bases within chr7:138,867,994-138,867,996 gives the same sequence; the c. name uses the placement nearest the transcript's 3' end. VCF-style (leftmost placement, unchanged base first): chr7-138867993-TGA-T. GRCh37 (hg19) VCF-style: chr7-138552739-TGA-T.
Other names: c.4909_4910del, p.Ala1638fs (NM_020910.3); short protein forms A1638fs.
Identifiers: ClinVar variation 1467312 (VCV001467312.3), dbSNP rs2130378727, ClinGen allele CA2573141739.

ClinVar aggregate classification (germline): Uncertain significance (1 of 4 stars; one submission).

Submission:

Labcorp Genetics (formerly Invitae), Labcorp
Classification: Uncertain significance. Last evaluated: 2022-07-19. Review status: criteria provided, single submitter. Criteria: Invitae Variant Classification Sherloc (09022015). Collection method: clinical testing. Allele origin: germline.
Comment: This sequence change creates a premature translational stop signal (p.Ala1638Leufs*9) in the KIAA1549 gene. It is expected to result in an absent or disrupted protein product. However, the current clinical and genetic evidence is not sufficient to establish whether loss-of-function variants in KIAA1549 cause disease. This variant is not present in population databases (gnomAD no frequency). This variant has not been reported in the literature in individuals affected with KIAA1549-related conditions. ClinVar contains an entry for this variant (Variation ID: 1467312). In summary, the available evidence is currently insufficient to determine the role of this variant in disease. Therefore, it has been classified as a Variant of Uncertain Significance.